The following is an entry in ClinVar:

ClinVar aggregate classification (germline): Uncertain significance (1 of 4 stars; one submission).

Conditions:
Spastic paraplegia 82, autosomal recessive (SPG82). Identifiers: Orphanet 631073, MedGen C5394037, MONDO:0032906, OMIM 618770.

gnomAD v4.1: 27 of 1,613,172 alleles (0.0017%); highest among the groups gnomAD compares: South Asian, 0.0033%; no homozygotes.

Submission:

Kariminejad - Najmabadi Pathology & Genetics Center
Classification: Uncertain significance for Spastic paraplegia 82, autosomal recessive. Last evaluated: 2022-12-03. Review status: criteria provided, single submitter. Criteria: ACMG Guidelines, 2015. Collection method: clinical testing. Allele origin: germline. Inheritance: Autosomal recessive inheritance. Affected: yes.
Comment: PM2 PP3

NM_002861.5(PCYT2):c.749A>G (p.His250Arg)

Gene: PCYT2 (phosphate cytidylyltransferase 2, ethanolamine; minus strand). Cytogenetic location: 17q25.3.
Variant type: single nucleotide variant.
Coding change: c.749A>G on transcript NM_002861.5 (MANE Select); coding-DNA position 749, A replaced by G.
Protein change: p.His250Arg; replaces histidine 250 with arginine.
Molecular consequence: missense variant.
Genome position (GRCh38, 1-based): chr17:81,906,474, T>C on the plus strand (A>G on the coding strand, the complement: PCYT2 is on the minus strand). VCF-style: chr17-81906474-T-C. GRCh37 (hg19) VCF-style: chr17-79864350-T-C.
Other names: c.803A>G, p.His268Arg (NM_001184917.3); c.587A>G, p.His196Arg (NM_001256433.3); c.626A>G, p.His209Arg (NM_001256434.3); c.515A>G, p.His172Arg (NM_001256435.3, NM_001282203.2); c.653A>G, p.His218Arg (NM_001282204.2); c.749A>G, p.His250Arg (NM_001330518.2); short protein forms H172R, H196R, H209R, H218R, H250R, H268R.
Identifiers: ClinVar variation 3896939 (VCV003896939.1).